The following is an entry in ClinVar:

NM_002230.4(JUP):c.859A>G (p.Ile287Val)

Gene: JUP (junction plakoglobin; minus strand). Cytogenetic location: 17q21.2.
Variant type: single nucleotide variant.
Coding change: c.859A>G on transcript NM_002230.4 (MANE Select); coding-DNA position 859, A replaced by G.
Protein change: p.Ile287Val; replaces isoleucine 287 with valine.
Molecular consequence: missense variant.
Genome position (GRCh38, 1-based): chr17:41,767,429, T>C on the plus strand (A>G on the coding strand, the complement: JUP is on the minus strand). VCF-style: chr17-41767429-T-C. GRCh37 (hg19) VCF-style: chr17-39923681-T-C.
Other names: c.859A>G, p.Ile287Val (NM_001352774.2, NM_001352775.2, NM_001352776.2 and 3 more transcripts); short protein forms I287V.
Identifiers: ClinVar variation 577963 (VCV000577963.10), dbSNP rs1567815934, ClinGen allele CA399500806.

ClinVar aggregate classification (germline): Uncertain significance. Review status: criteria provided, multiple submitters, no conflicts (2 of 4 stars). 3 submissions from 3 submitters: Uncertain significance (3). Last evaluated 2025-07-18.

Conditions:
Cardiovascular phenotype. Identifiers: MedGen CN230736.
Arrhythmogenic right ventricular dysplasia 12. Also called: ARRHYTHMOGENIC RIGHT VENTRICULAR DYSPLASIA, FAMILIAL, 12. Identifiers: MedGen C1969081, MONDO:0012684, OMIM 611528.
Naxos disease (NXD). Also called: CARDIOMYOPATHY, ARRHYTHMOGENIC RIGHT VENTRICULAR, WITH SKIN, HAIR, AND NAIL ABNORMALITIES; PALMOPLANTAR KERATODERMA WITH ARRHYTHMOGENIC RIGHT VENTRICULAR CARDIOMYOPATHY AND WOOLLY HAIR; WOOLLY HAIR, PALMOPLANTAR KERATODERMA, AND CARDIAC ABNORMALITIES; KERATOSIS PALMOPLANTARIS WITH ARRHYTHMOGENIC CARDIOMYOPATHY; MAL DE NAXOS. Identifiers: Orphanet 34217, MedGen C1832600, MONDO:0011017, OMIM 601214.

Allele frequency attached by ClinVar (database versions not stated): gnomAD exomes 0.00001.
gnomAD v4.1: 4 of 1,614,104 alleles (0.00025%); highest among the groups gnomAD compares: South Asian, 0.0011%; no homozygotes.

Submissions (3):

Ambry Genetics
Classification: Uncertain significance for Cardiovascular phenotype. Last evaluated: 2025-07-18. Review status: criteria provided, single submitter. Criteria: Ambry Variant Classification Scheme 2023. Collection method: clinical testing. Allele origin: germline.
Comment: The p.I287V variant (also known as c.859A>G), located in coding exon 4 of the JUP gene, results from an A to G substitution at nucleotide position 859. The isoleucine at codon 287 is replaced by valine, an amino acid with highly similar properties. This amino acid position is highly conserved in available vertebrate species. In addition, the in silico prediction for this alteration is inconclusive. Based on the available evidence, the clinical significance of this variant remains unclear.

Labcorp Genetics (formerly Invitae), Labcorp
Classification: Uncertain significance for Arrhythmogenic right ventricular dysplasia 12; Naxos disease. Last evaluated: 2022-06-04. Review status: criteria provided, single submitter. Criteria: Invitae Variant Classification Sherloc (09022015). Collection method: clinical testing. Allele origin: germline.
Comment: This variant is not present in population databases (gnomAD no frequency). This sequence change replaces isoleucine, which is neutral and non-polar, with valine, which is neutral and non-polar, at codon 287 of the JUP protein (p.Ile287Val). This variant has not been reported in the literature in individuals affected with JUP-related conditions. In summary, the available evidence is currently insufficient to determine the role of this variant in disease. Therefore, it has been classified as a Variant of Uncertain Significance. Algorithms developed to predict the effect of missense changes on protein structure and function (SIFT, PolyPhen-2, Align-GVGD) all suggest that this variant is likely to be tolerated. ClinVar contains an entry for this variant (Variation ID: 577963).

Fulgent Genetics
Classification: Uncertain significance for Naxos disease; Arrhythmogenic right ventricular dysplasia 12. Last evaluated: 2021-07-30. Review status: criteria provided, single submitter. Criteria: ACMG Guidelines, 2015. Collection method: clinical testing. Allele origin: unknown.